The following is an entry in ClinVar:

NM_016006.6(ABHD5):c.*1417A>G

Gene: ABHD5 (abhydrolase domain containing 5, lysophosphatidic acid acyltransferase; plus strand). Cytogenetic location: 3p21.33.
Variant type: single nucleotide variant.
Coding change: c.*1417A>G on transcript NM_016006.6 (MANE Select); 1417 bases downstream of the stop codon, A replaced by G.
Molecular consequence: 3 prime UTR variant. On other transcripts: non-coding transcript variant (1), intron variant (1).
Genome position (GRCh38, 1-based): chr3:43,719,949, A>G. VCF-style: chr3-43719949-A-G. GRCh37 (hg19) VCF-style: chr3-43761441-A-G.
Other names: c.*1417A>G (NM_001365649.1); c.*1443A>G (NM_001365650.1); c.29+1388A>G (NM_001355186.2).
Identifiers: ClinVar variation 345240 (VCV000345240.5), dbSNP rs3733156, ClinGen allele CA10615889.
Genomic context (GRCh38, chr3:43,719,949, plus strand): 5'-GGTTTTGTTATTGCATTTTTAAAATGGTTAATTAGGGAATTTGTAGTTGTTAGGAAATGT[A>G]AGGTTGTGTCACTGTTGATTAACTGCCAGAAAGACTGAATGTTCTATTTTCAACATTTCT-3'

ClinVar aggregate classification (germline): Benign (1 of 4 stars; one submission).

Conditions:
Triglyceride storage disease with ichthyosis (CDS). Also called: Dorfman-Chanarin disease; ICHTHYOSIFORM ERYTHRODERMA WITH LEUKOCYTE VACUOLATION; TRIGLYCERIDE STORAGE DISEASE WITH IMPAIRED LONG-CHAIN FATTY ACID OXIDATION; Chanarin-Dorfman Syndrome. Identifiers: Orphanet 98907, MedGen C0268238, MONDO:0010155, OMIM 275630.

Allele frequency attached by ClinVar (database versions not stated): 1000 Genomes Project 30x 0.54403; 1000 Genomes Project 0.54872; TOPMed 0.57104; gnomAD 0.58191 and 0.58649.

Submission:

Illumina Laboratory Services, Illumina
Classification: Benign for Triglyceride storage disease with ichthyosis. Last evaluated: 2018-01-13. Review status: criteria provided, single submitter. Criteria: ICSL Variant Classification Criteria 13 December 2019. Collection method: clinical testing. Allele origin: germline.
Comment: This variant was observed in the ICSL laboratory as part of a predisposition screen in an ostensibly healthy population. It had not been previously curated by ICSL or reported in the Human Gene Mutation Database (HGMD: prior to June 1st, 2018), and was therefore a candidate for classification through an automated scoring system. Utilizing variant allele frequency, disease prevalence and penetrance estimates, and inheritance mode, an automated score was calculated to assess if this variant is too frequent to cause the disease. Based on the score and internal cut-off values, a variant classified as benign is not then subjected to further curation. The score for this variant resulted in a classification of benign for this disease.